The following is an entry in ClinVar:

NM_000264.5(PTCH1):c.4328del (p.Gly1443fs)

Gene: PTCH1 (patched 1; minus strand). Cytogenetic location: 9q22.32.
Variant type: Deletion.
Coding change: c.4328del on transcript NM_000264.5 (MANE Select); coding-DNA position 4328, one base deleted (G; older notation c.4328delG).
Protein change: p.Gly1443fs; shifts the reading frame from glycine 1443.
Molecular consequence: frameshift variant. On other transcripts: non-coding transcript variant (1).
Genome position (GRCh38, 1-based): chr9:95,446,928, C deleted on the plus strand (G on the coding strand, the reverse complement: PTCH1 is on the minus strand); the first of 4 consecutive C bases (chr9:95,446,928-95,446,931); deleting any one gives the same sequence. VCF-style (leftmost placement, unchanged base first): chr9-95446927-TC-T. GRCh37 (hg19) VCF-style: chr9-98209209-TC-T.
Other names: c.4130del, p.Gly1377fs (NM_001083602.3); c.4325del, p.Gly1442fs (NM_001083603.3); c.3875del, p.Gly1292fs (NM_001083604.3, NM_001083605.3, NM_001083606.3 and 1 more transcripts); c.4172del, p.Gly1391fs (NM_001354918.2); short protein forms G1292fs, G1391fs, G1377fs, G1442fs, G1443fs.
Identifiers: ClinVar variation 3694728 (VCV003694728.2).

ClinVar aggregate classification (germline): Uncertain significance (1 of 4 stars; one submission).

Conditions:
Gorlin syndrome. Also called: Basal cell nevus syndrome; Nevoid Basal Cell Carcinoma Syndrome. Identifiers: Orphanet 377, MedGen C0004779, MONDO:0007187.

Submission:

Labcorp Genetics (formerly Invitae), Labcorp
Classification: Uncertain significance for Gorlin syndrome. Last evaluated: 2024-02-15. Review status: criteria provided, single submitter. Criteria: Invitae Variant Classification Sherloc (09022015). Collection method: clinical testing. Allele origin: germline.
Comment: This sequence change results in a frameshift in the PTCH1 gene (p.Gly1443Glufs*9). While this is not anticipated to result in nonsense mediated decay, it is expected to disrupt the last 5 amino acid(s) of the PTCH1 protein and extend the protein by 3 additional amino acid residues. This variant is not present in population databases (gnomAD no frequency). This variant has not been reported in the literature in individuals affected with PTCH1-related conditions. Experimental studies and prediction algorithms are not available or were not evaluated, and the functional significance of this variant is currently unknown. In summary, the available evidence is currently insufficient to determine the role of this variant in disease. Therefore, it has been classified as a Variant of Uncertain Significance.